The following is an entry in ClinVar:

NM_000260.4(MYO7A):c.4441+7C>T

Gene: MYO7A (myosin VIIA; plus strand). Cytogenetic location: 11q13.5.
Variant type: single nucleotide variant.
Coding change: c.4441+7C>T on transcript NM_000260.4 (MANE Select); 7 bases into the intron after coding-DNA position 4441, C replaced by T.
Molecular consequence: intron variant.
Genome position (GRCh38, 1-based): chr11:77,197,605, C>T. VCF-style: chr11-77197605-C-T. GRCh37 (hg19) VCF-style: chr11-76908650-C-T.
Other names: c.4408+7C>T (NM_001369365.1); c.4441+7C>T (NM_001127180.2).
Identifiers: ClinVar variation 164704 (VCV000164704.25), dbSNP rs372493678, ClinGen allele CA177392.

ClinVar aggregate classification (germline): Conflicting classifications of pathogenicity. Review status: criteria provided, conflicting classifications (1 of 4 stars). 7 submissions from 7 submitters: Uncertain significance (1); Benign (1); Likely benign (4). 1 of the submissions does not count toward it. Last evaluated 2026-01-25.

Conditions:
Usher syndrome type 1B (USH1B). Also called: Usher syndrome type IB. Identifiers: MedGen C1848638, MONDO:0700087.

Allele frequency attached by ClinVar (database versions not stated): gnomAD exomes 0.00005 and 0.00013; gnomAD 0.00012; ExAC 0.00066; ESP Exome Variant Server 0.00091; 1000 Genomes Project 0.00160.
gnomAD v4.1: 51 of 1,511,630 alleles (0.0034%); highest among the groups gnomAD compares: African/African-American, 0.054%; no homozygotes.

Submissions (7):

Labcorp Genetics (formerly Invitae), Labcorp
Classification: Benign. Last evaluated: 2026-01-25. Review status: criteria provided, single submitter. Criteria: Invitae Variant Classification Sherloc (09022015). Collection method: clinical testing. Allele origin: germline.

Women's Health and Genetics/Laboratory Corporation of America, LabCorp
Classification: Likely benign. Last evaluated: 2025-04-28. Review status: criteria provided, single submitter. Criteria: LabCorp Variant Classification Summary - May 2015. Collection method: clinical testing. Allele origin: germline.

Blueprint Genetics
Classification: Likely benign. Last evaluated: 2024-05-13. Review status: criteria provided, single submitter. Criteria: ACMG Guidelines, 2015. Collection method: clinical testing. Allele origin: germline.

GeneDx
Classification: Likely benign. Last evaluated: 2017-11-22. Review status: criteria provided, single submitter. Criteria: GeneDx Variant Classification (06012015). Collection method: clinical testing. Allele origin: germline. Affected: yes.
Comment: This variant is considered likely benign or benign based on one or more of the following criteria: it is a conservative change, it occurs at a poorly conserved position in the protein, it is predicted to be benign by multiple in silico algorithms, and/or has population frequency not consistent with disease.

Eurofins Ntd Llc (ga)
Classification: Uncertain significance. Last evaluated: 2014-07-29. Review status: criteria provided, single submitter. Criteria: EGL Classification Definitions 2015. Collection method: clinical testing. Allele origin: germline. Observed: 1 variant allele, 1 heterozygote.

Laboratory for Molecular Medicine, Mass General Brigham Personalized Medicine
Classification: Likely benign. Last evaluated: 2012-04-30. Review status: criteria provided, single submitter. Criteria: LMM Criteria. Collection method: clinical testing. Allele origin: germline. Observed: 1 variant allele.
Comment: 4441+7C>T in Intron 33 of MYO7A: This variant is not expected to have clinical s ignificance because it is not located within the conserved splice consensus sequ ence and has been identified in 0.2% (7/3132) of African American chromosomes fr om a broad population by the NHLBI Exome Sequencing Project.

Natera, Inc.
Classification: Uncertain significance for Usher syndrome type 1B. Last evaluated: 2020-04-16. Review status: no assertion criteria provided. Collection method: clinical testing. Allele origin: germline. Not counted in ClinVar's aggregate classification.